The following is an entry in ClinVar:

NM_003482.4(KMT2D):c.14644-74C>G

Gene: KMT2D (lysine methyltransferase 2D; minus strand). Cytogenetic location: 12q13.12.
Variant type: single nucleotide variant.
Coding change: c.14644-74C>G on transcript NM_003482.4 (MANE Select); 74 bases into the intron before coding-DNA position 14644, C replaced by G.
Molecular consequence: intron variant.
Genome position (GRCh38, 1-based): chr12:49,027,396, G>C on the plus strand (C>G on the coding strand, the complement: KMT2D is on the minus strand). VCF-style: chr12-49027396-G-C. GRCh37 (hg19) VCF-style: chr12-49421179-G-C.
Identifiers: ClinVar variation 1245004 (VCV001245004.5), dbSNP rs833817, ClinGen allele CA236634145.

ClinVar aggregate classification (germline): Benign. Review status: criteria provided, multiple submitters, no conflicts (2 of 4 stars). 3 submissions from 3 submitters: Benign (3). Last evaluated 2024-01-24.

Allele frequency attached by ClinVar (database versions not stated): 1000 Genomes Project 30x 0.97486; TOPMed 0.97490; gnomAD 0.97642 and 0.97804; 1000 Genomes Project 0.97644; gnomAD exomes 0.99793.
gnomAD v4.1: 1,237,710 of 1,243,416 alleles (100%); highest among the groups gnomAD compares: East Asian, 100%; 616,188 homozygotes.

Submissions (3):

Unidad de Genómica Garrahan, Hospital de Pediatría Garrahan
Classification: Benign. Last evaluated: 2024-01-24. Review status: criteria provided, single submitter. Criteria: ACMG Guidelines, 2015. Collection method: clinical testing. Allele origin: germline. Affected: no. Observed: 94 variant alleles.
Comment: This variant is classified as Benign based on local population frequency. This variant was detected in 99% of patients studied by a panel of primary immunodeficiencies. Number of patients: 94. Only high quality variants are reported.

GeneDx
Classification: Benign. Last evaluated: 2018-07-17. Review status: criteria provided, single submitter. Criteria: GeneDx Variant Classification Process June 2021. Collection method: clinical testing. Allele origin: germline. Affected: yes.

Breakthrough Genomics
Classification: Benign. Review status: criteria provided, single submitter. Criteria: ACMG Guidelines, 2015. Collection method: not provided. Allele origin: germline. Inheritance: Autosomal dominant inheritance. Affected: yes.